The following is an entry in ClinVar:

ClinVar aggregate classification (germline): Benign. Review status: criteria provided, multiple submitters, no conflicts (2 of 4 stars). 6 submissions from 6 submitters: Benign (6). Last evaluated 2026-02-01.

Conditions:
Imerslund-Grasbeck syndrome type 1 (IGS1). Also called: Megaloblastic anemia 1, Finnish type; MEGALOBLASTIC ANEMIA, 1; Imerslund-Gräsbeck syndrome 1. Identifiers: MedGen C4016819, MONDO:0100156, OMIM 261100.
Imerslund-Grasbeck syndrome. Also called: Megaloblastic anemia due to inborn errors of metabolism; Imerslund-Gräsbeck syndrome; ENTEROCYTE COBALAMIN MALABSORPTION; ENTEROCYTE INTRINSIC FACTOR RECEPTOR, DEFECT OF; PERNICIOUS ANEMIA, JUVENILE, DUE TO SELECTIVE INTESTINAL MALABSORPTION OF VITAMIN B12, WITH PROTEINURIA. Identifiers: Orphanet 35858, MedGen C4551825, MONDO:0009853.

Allele frequency attached by ClinVar (database versions not stated): ExAC 0.02677; 1000 Genomes Project 0.08227; gnomAD 0.07515 and 0.08051; gnomAD exomes 0.02281 and 0.01215; 1000 Genomes Project 30x 0.08729; TOPMed 0.08581; ESP Exome Variant Server 0.08619.
gnomAD v4.1: 29,695 of 1,614,048 alleles (1.8%); highest among the groups gnomAD compares: African/African-American, 25%; 2,506 homozygotes.

Submissions (6):

Labcorp Genetics (formerly Invitae), Labcorp
Classification: Benign for Imerslund-Grasbeck syndrome. Last evaluated: 2026-02-01. Review status: criteria provided, single submitter. Criteria: Invitae Variant Classification Sherloc (09022015). Collection method: clinical testing. Allele origin: germline.

ARUP Laboratories, Molecular Genetics and Genomics, ARUP Laboratories
Classification: Benign. Last evaluated: 2025-06-03. Review status: criteria provided, single submitter. Criteria: ARUP Molecular Germline Variant Investigation Process 2024. Collection method: clinical testing. Allele origin: germline.

Mayo Clinic Laboratories, Mayo Clinic
Classification: Benign. Last evaluated: 2023-04-03. Review status: criteria provided, single submitter. Criteria: ACMG Guidelines, 2015. Collection method: clinical testing. Allele origin: germline. Observed: 22 variant alleles.

GeneDx
Classification: Benign. Last evaluated: 2018-11-15. Review status: criteria provided, single submitter. Criteria: GeneDx Variant Classification Process June 2021. Collection method: clinical testing. Allele origin: germline. Affected: yes.

Illumina Laboratory Services, Illumina
Classification: Benign for Imerslund-Grasbeck syndrome type 1. Last evaluated: 2018-01-13. Review status: criteria provided, single submitter. Criteria: ICSL Variant Classification Criteria 13 December 2019. Collection method: clinical testing. Allele origin: germline.
Comment: This variant was observed in the ICSL laboratory as part of a predisposition screen in an ostensibly healthy population. It had not been previously curated by ICSL or reported in the Human Gene Mutation Database (HGMD: prior to June 1st, 2018), and was therefore a candidate for classification through an automated scoring system. Utilizing variant allele frequency, disease prevalence and penetrance estimates, and inheritance mode, an automated score was calculated to assess if this variant is too frequent to cause the disease. Based on the score and internal cut-off values, a variant classified as benign is not then subjected to further curation. The score for this variant resulted in a classification of benign for this disease.

Breakthrough Genomics
Classification: Benign. Review status: criteria provided, single submitter. Criteria: ACMG Guidelines, 2015. Collection method: not provided. Allele origin: germline. Inheritance: Autosomal recessive inheritance. Affected: yes.

NM_001081.4(CUBN):c.2188C>T (p.His730Tyr)

Gene: CUBN (cubilin; minus strand). Cytogenetic location: 10p13.
Variant type: single nucleotide variant.
Coding change: c.2188C>T on transcript NM_001081.4 (MANE Select); coding-DNA position 2188, C replaced by T.
Protein change: p.His730Tyr; replaces histidine 730 with tyrosine.
Molecular consequence: missense variant.
Genome position (GRCh38, 1-based): chr10:17,084,384, G>A on the plus strand (C>T on the coding strand, the complement: CUBN is on the minus strand). VCF-style: chr10-17084384-G-A. GRCh37 (hg19) VCF-style: chr10-17126383-G-A.
Other names: short protein forms H730Y.
Identifiers: ClinVar variation 299511 (VCV000299511.29), dbSNP rs7905349, ClinGen allele CA5425060.